The following is an entry in ClinVar:

ClinVar aggregate classification (germline): Conflicting classifications of pathogenicity. Review status: criteria provided, conflicting classifications (1 of 4 stars). 9 submissions from 8 submitters: Uncertain significance (2); Benign (1); Likely benign (6). Last evaluated 2026-09-24.

Conditions:
MEN1-related disorder. Also called: MEN1-related condition.
Hyperparathyroidism. Identifiers: MedGen C0020502, MONDO:0001741, HP:0000843.
Hereditary cancer-predisposing syndrome. Also called: Neoplastic Syndromes, Hereditary; Tumor predisposition; Hereditary Cancer Syndrome; Hereditary neoplastic syndrome. Identifiers: Orphanet 140162, MedGen C0027672, MeSH D009386, MONDO:0015356.
Multiple endocrine neoplasia, type 1 (MEN1). Also called: MEN I; WERMER SYNDROME; Endocrine adenomatosis multiple; MEN 1; MEA I. Identifiers: Orphanet 652, MedGen C0025267, MeSH D018761, MONDO:0007540, OMIM 131100.

Allele frequency attached by ClinVar (database versions not stated): gnomAD 0.00001 and 0.00002; TOPMed 0.00001; ExAC 0.00002; gnomAD exomes 0.00002 and 0.00003; 1000 Genomes Project 30x 0.00031; 1000 Genomes Project 0.00040.

Submissions (9):

PreventionGenetics, part of Exact Sciences
Classification: Likely benign for MEN1-related condition. Last evaluated: 2026-09-24. Review status: criteria provided, single submitter. Criteria: ACMG Guidelines, 2015. Collection method: clinical testing. Allele origin: germline.
Comment: This variant is classified as likely benign based on ACMG/AMP sequence variant interpretation guidelines (Richards et al. 2015 PMID: 25741868, with internal and published modifications).

Labcorp Genetics (formerly Invitae), Labcorp
Classification: Likely benign for Multiple endocrine neoplasia, type 1. Last evaluated: 2025-11-24. Review status: criteria provided, single submitter. Criteria: Invitae Variant Classification Sherloc (09022015). Collection method: clinical testing. Allele origin: germline.

Myriad Genetics, Inc.
Classification: Benign for Multiple endocrine neoplasia, type 1. Last evaluated: 2024-11-01. Review status: criteria provided, single submitter. Criteria: Myriad Autosomal Dominant, Autosomal Recessive and X-Linked Classification Criteria (2023). Collection method: clinical testing. Allele origin: unknown.
Comment: This variant is considered benign. This variant is a silent/synonymous amino acid change and it is not expected to impact splicing.

All of Us Research Program, National Institutes of Health
Classification: Likely benign for Multiple endocrine neoplasia, type 1. Last evaluated: 2023-12-13. Review status: criteria provided, single submitter. Criteria: ACMG Guidelines, 2015. Collection method: clinical testing. Allele origin: germline. Inheritance: Autosomal dominant inheritance. Observed: 6 variant alleles, 6 heterozygotes.
Comment: This study involves interpretation of variants in research participants for the purpose of population health screening. Participant phenotype was not available at the time of variant classification. Additional details can be found in publication PMID: 35346344, PMCID: PMC8962531

Blueprint Genetics
Classification: Likely benign. Last evaluated: 2023-02-01. Review status: criteria provided, single submitter. Criteria: ACMG Guidelines, 2015. Collection method: clinical testing. Allele origin: germline.

Genetic Services Laboratory, University of Chicago
Classification: Likely benign. Last evaluated: 2020-09-21. Review status: criteria provided, single submitter. Criteria: ACMG Guidelines, 2015. Collection method: clinical testing. Allele origin: germline. Affected: no.

Illumina Laboratory Services, Illumina
Classification: Uncertain significance for Multiple endocrine neoplasia, type 1. Last evaluated: 2018-04-06. Review status: criteria provided, single submitter. Criteria: ICSL Variant Classification Criteria 13 December 2019. Collection method: clinical testing. Allele origin: germline.

Illumina Laboratory Services, Illumina
Classification: Uncertain significance for Hyperparathyroidism. Last evaluated: 2018-04-06. Review status: criteria provided, single submitter. Criteria: ICSL Variant Classification Criteria 13 December 2019. Collection method: clinical testing. Allele origin: germline.

Ambry Genetics
Classification: Likely benign for Hereditary cancer-predisposing syndrome. Last evaluated: 2017-02-16. Review status: criteria provided, single submitter. Criteria: Ambry Variant Classification Scheme 2023. Collection method: clinical testing. Allele origin: germline.

NM_001370259.2(MEN1):c.570G>A (p.Gly190=)

Gene: MEN1 (menin 1; minus strand). Cytogenetic location: 11q13.1.
Variant type: single nucleotide variant.
Coding change: c.570G>A on transcript NM_001370259.2 (MANE Select); coding-DNA position 570, G replaced by A.
Protein change: p.Gly190=; no amino-acid change (glycine 190 retained).
Molecular consequence: synonymous variant. On other transcripts: intron variant (2).
Genome position (GRCh38, 1-based): chr11:64,807,975, C>T on the plus strand (G>A on the coding strand, the complement: MEN1 is on the minus strand). VCF-style: chr11-64807975-C-T. GRCh37 (hg19) VCF-style: chr11-64575447-C-T.
Other names: c.570G>A, p.Gly190= (NM_001370261.2, NM_130799.3, NM_001370251.2 and 1 more transcripts); c.585G>A, p.Gly195= (NM_130800.3, NM_130801.3, NM_130802.3 and 3 more transcripts); c.549+21G>A (NM_001370263.2, NM_001370262.2); c.585G>A (NM_000244.3).
Identifiers: ClinVar variation 412579 (VCV000412579.27), dbSNP rs547249181, ClinGen allele CA061297.